The following is an entry in ClinVar:

ClinVar aggregate classification (germline): Likely pathogenic (1 of 4 stars; one submission).

Conditions:
Cholestasis-pigmentary retinopathy-cleft palate syndrome (HDKR). Also called: Hardikar Syndrome (HS). Identifiers: Orphanet 1415, MedGen C0795969, MeSH C535632, MONDO:0012997, OMIM 301068.

Submissions (2):

University of Washington Department of Laboratory Medicine, University of Washington
Classification: Likely pathogenic for Cholestasis-pigmentary retinopathy-cleft palate syndrome. Last evaluated: 2023-05-18. Review status: criteria provided, single submitter. Criteria: ACMG Guidelines, 2015. Collection method: clinical testing. Allele origin: de novo. Affected: yes.
Comment: This variant was absent from large population databases, including the Genome Aggregation Database. This variant occurs in the last coding base of exon 36 in the 5’ splice region and computational tools predict an impact to splicing. These predictions have not been tested directly. Using ACMG guidelines, this variant was classified as likely pathogenic for X-linked MED12-related disorders (ACMG evidence codes used: PS2, PM2_supporting, PP3).

Dr. Peter K. Rogan Lab, Western University
No classification provided (evidence only). Condition: Thyroid cancer, nonmedullary, 1. Review status: no classification provided. Collection method: in vitro. Allele origin: not applicable. Functional consequence: retained intron. Not counted in ClinVar's aggregate classification.

NM_005120.3(MED12):c.5025G>T (p.Glu1675Asp)

Gene: MED12 (mediator complex subunit 12; plus strand). Cytogenetic location: Xq13.1.
Variant type: single nucleotide variant.
Coding change: c.5025G>T on transcript NM_005120.3 (MANE Select); coding-DNA position 5025, G replaced by T.
Protein change: p.Glu1675Asp; replaces glutamic acid 1675 with aspartic acid.
Molecular consequence: missense variant.
Genome position (GRCh38, 1-based): chrX:71,135,253, G>T. VCF-style: chrX-71135253-G-T. GRCh37 (hg19) VCF-style: chrX-70355103-G-T.
Other names: NC_000023.10:g.70355103G>T; c.5025G>T (NM_005120.2); short protein forms E1675D.
Identifiers: ClinVar variation 3777078 (VCV003777078.2).
Genomic context (GRCh38, chrX:71,135,253, plus strand): 5'-CTCCCTTATCGATACCAAGGGCAACAAGATTGCTGGCTTCGATTCCATCTTCAAGAAGGA[G>T]GCATGTTCCATTGTCTGCCCGTGTCCCTTGCCTTTTTTCCCCTTTGGGCAAGAACTTTGC-3'
Protein context (NP_005111.2, residues 1665-1685): IAGFDSIFKK[Glu1675Asp]GLQVSTKQKI